The following is an entry in ClinVar:

ClinVar aggregate classification (germline): Pathogenic. Review status: criteria provided, multiple submitters, no conflicts (2 of 4 stars). 2 submissions from 2 submitters: Pathogenic (2). Last evaluated 2023-05-19.

Conditions:
Hereditary cancer-predisposing syndrome. Also called: Neoplastic Syndromes, Hereditary; Tumor predisposition; Hereditary Cancer Syndrome; Hereditary neoplastic syndrome. Identifiers: Orphanet 140162, MedGen C0027672, MeSH D009386, MONDO:0015356.
Familial cancer of breast. Also called: BREAST CANCER, FAMILIAL; Hereditary breast cancer; hereditary breast carcinoma. Identifiers: Orphanet 227535, MedGen C0346153, MONDO:0016419, OMIM 114480. Disease mechanism: loss of function.

Submissions (2):

Myriad Genetics, Inc.
Classification: Pathogenic for Familial cancer of breast. Last evaluated: 2023-05-19. Review status: criteria provided, single submitter. Criteria: Myriad Autosomal Dominant, Autosomal Recessive and X-Linked Classification Criteria (2023). Collection method: clinical testing. Allele origin: unknown.
Comment: This variant is considered pathogenic. This variant creates a frameshift predicted to result in premature protein truncation.

Ambry Genetics
Classification: Pathogenic for Hereditary cancer-predisposing syndrome. Last evaluated: 2014-02-23. Review status: criteria provided, single submitter. Criteria: Ambry Autosomal Dominant and X-Linked criteria (10/2015). Collection method: clinical testing. Allele origin: germline. Observed: 1 variant allele.
Comment: This alteration is expected to result in loss of function by premature protein truncation or nonsense-mediatedâ€¯mRNAâ€¯decay.â€¯As such, this alteration is interpreted as a disease-causing mutation.

NM_000465.4(BARD1):c.657_660del (p.Asn219fs)

Gene: BARD1 (BRCA1 associated RING domain 1; minus strand). Cytogenetic location: 2q35.
Variant type: Deletion.
Coding change: c.657_660del on transcript NM_000465.4 (MANE Select); coding-DNA positions 657 to 660, 4 bases deleted (TTTA; older notation c.657_660delTTTA).
Protein change: p.Asn219fs; shifts the reading frame from asparagine 219.
Molecular consequence: frameshift variant. On other transcripts: non-coding transcript variant (2), intron variant (3).
Genome position (GRCh38, 1-based): chr2:214,781,214-214,781,217, TAAA deleted on the plus strand (TTTA on the coding strand, the reverse complement: BARD1 is on the minus strand); deleting any 4 consecutive bases within chr2:214,781,214-214,781,218 gives the same sequence; the c. name uses the placement nearest the transcript's 3' end. VCF-style (leftmost placement, unchanged base first): chr2-214781213-CTAAA-C. GRCh37 (hg19) VCF-style: chr2-215645937-CTAAA-C.
Other names: c.600_603del, p.Asn200fs (NM_001282543.2); c.158+28195_158+28198del (NM_001282548.2); c.215+15844_215+15847del (NM_001282545.2); c.364+11080_364+11083del (NM_001282549.2); short protein forms N219fs, N200fs.
Identifiers: ClinVar variation 141342 (VCV000141342.5), dbSNP rs587781671, ClinGen allele CA165157.